The following is an entry in ClinVar:

NM_003079.5(SMARCE1):c.824G>T (p.Gly275Val)

Gene: SMARCE1 (SWI/SNF related BAF chromatin remodeling complex subunit E1; minus strand). Cytogenetic location: 17q21.2.
Variant type: single nucleotide variant.
Coding change: c.824G>T on transcript NM_003079.5 (MANE Select); coding-DNA position 824, G replaced by T.
Protein change: p.Gly275Val; replaces glycine 275 with valine.
Molecular consequence: missense variant.
Genome position (GRCh38, 1-based): chr17:40,630,917, C>A on the plus strand (G>T on the coding strand, the complement: SMARCE1 is on the minus strand). VCF-style: chr17-40630917-C-A. GRCh37 (hg19) VCF-style: chr17-38787169-C-A.
Other names: short protein forms G275V.
Identifiers: ClinVar variation 3658591 (VCV003658591.3).

ClinVar aggregate classification (germline): Uncertain significance. Review status: criteria provided, multiple submitters, no conflicts (2 of 4 stars). 2 submissions from 2 submitters: Uncertain significance (2). Last evaluated 2025-01-27.

Conditions:
Hereditary cancer-predisposing syndrome. Also called: Hereditary Cancer Syndrome; Tumor predisposition; Hereditary neoplastic syndrome; Neoplastic Syndromes, Hereditary. Identifiers: Orphanet 140162, MedGen C0027672, MeSH D009386, MONDO:0015356.
Familial meningioma. Also called: Meningioma, familial, susceptibility to. Identifiers: Orphanet 263662, MedGen C3551915, MONDO:0011789, OMIM 607174.

Submissions (2):

Ambry Genetics
Classification: Uncertain significance for Hereditary cancer-predisposing syndrome. Last evaluated: 2025-01-27. Review status: criteria provided, single submitter. Criteria: Ambry Variant Classification Scheme 2023. Collection method: clinical testing. Allele origin: germline.
Comment: The p.G275V variant (also known as c.824G>T), located in coding exon 9 of the SMARCE1 gene, results from a G to T substitution at nucleotide position 824. The glycine at codon 275 is replaced by valine, an amino acid with dissimilar properties. This amino acid position is conserved. In addition, this alteration is predicted to be tolerated by in silico analysis. Based on the available evidence, the clinical significance of this variant remains unclear.

Labcorp Genetics (formerly Invitae), Labcorp
Classification: Uncertain significance for Familial meningioma. Last evaluated: 2024-07-03. Review status: criteria provided, single submitter. Criteria: Invitae Variant Classification Sherloc (09022015). Collection method: clinical testing. Allele origin: germline.
Comment: This sequence change replaces glycine, which is neutral and non-polar, with valine, which is neutral and non-polar, at codon 275 of the SMARCE1 protein (p.Gly275Val). This variant is not present in population databases (gnomAD no frequency). This variant has not been reported in the literature in individuals affected with SMARCE1-related conditions. An algorithm developed to predict the effect of missense changes on protein structure and function (PolyPhen-2) suggests that this variant is likely to be tolerated. In summary, the available evidence is currently insufficient to determine the role of this variant in disease. Therefore, it has been classified as a Variant of Uncertain Significance.